The following is an entry in ClinVar:

ClinVar aggregate classification (germline): Pathogenic/Likely pathogenic. Review status: criteria provided, multiple submitters, no conflicts (2 of 4 stars). 3 submissions from 3 submitters: Pathogenic (1); Likely pathogenic (2). Last evaluated 2024-11-22.

Conditions:
RFX5-related disorder. Also called: RFX5-related condition.
MHC class II deficiency. Also called: Bare lymphocyte syndrome 2; BLS, TYPE II. Identifiers: Orphanet 572, MedGen C5447452, MONDO:0008855.

Allele frequency attached by ClinVar (database versions not stated): gnomAD exomes below 0.00001; gnomAD 0.00001.
gnomAD v4.1: 4 of 1,613,986 alleles (0.00025%); highest among the groups gnomAD compares: East Asian, 0.0022%; no homozygotes.

Submissions (3):

Labcorp Genetics (formerly Invitae), Labcorp
Classification: Pathogenic for MHC class II deficiency. Last evaluated: 2024-11-22. Review status: criteria provided, single submitter. Criteria: Invitae Variant Classification Sherloc (09022015). Collection method: clinical testing. Allele origin: germline.
Comment: This sequence change creates a premature translational stop signal (p.Arg35*) in the RFX5 gene. It is expected to result in an absent or disrupted protein product. Loss-of-function variants in RFX5 are known to be pathogenic (PMID: 7744245, 9401005, 10079298). This variant is present in population databases (no rsID available, gnomAD 0.0009%). This variant has not been reported in the literature in individuals affected with RFX5-related conditions. ClinVar contains an entry for this variant (Variation ID: 2628868). For these reasons, this variant has been classified as Pathogenic.

PreventionGenetics, part of Exact Sciences
Classification: Likely pathogenic for RFX5-related condition. Last evaluated: 2023-07-07. Review status: criteria provided, single submitter. Criteria: ACMG Guidelines, 2015. Collection method: clinical testing. Allele origin: germline.
Comment: The RFX5 c.103C>T variant is predicted to result in premature protein termination (p.Arg35*). To our knowledge, this variant has not been reported in the literature. This variant is reported in 0.00088% of alleles in individuals of European (Non-Finnish) descent in gnomAD. Nonsense variants in RFX5 are expected to be pathogenic. This variant is interpreted as likely pathogenic.

Blueprint Genetics
Classification: Likely pathogenic for RFX5-related disorders. Last evaluated: 2022-06-01. Review status: criteria provided, single submitter. Criteria: ACMG Guidelines, 2015. Collection method: clinical testing. Allele origin: germline. Affected: yes. Observed: 2 variant alleles.

Literature cited by the submitters: PubMed 7744245 (cited by Labcorp Genetics (formerly Invitae), Labcorp); PubMed 9401005 (cited by Labcorp Genetics (formerly Invitae), Labcorp); PubMed 10079298 (cited by Labcorp Genetics (formerly Invitae), Labcorp).

NM_001025603.2(RFX5):c.103C>T (p.Arg35Ter)

Gene: RFX5 (regulatory factor X5; minus strand). Cytogenetic location: 1q21.3.
Variant type: single nucleotide variant.
Coding change: c.103C>T on transcript NM_001025603.2 (MANE Select); coding-DNA position 103, C replaced by T.
Protein change: p.Arg35Ter; replaces arginine 35 with a stop codon.
Molecular consequence: nonsense.
Genome position (GRCh38, 1-based): chr1:151,346,218, G>A on the plus strand (C>T on the coding strand, the complement: RFX5 is on the minus strand). VCF-style: chr1-151346218-G-A. GRCh37 (hg19) VCF-style: chr1-151318694-G-A.
Other names: c.103C>T, p.Arg35Ter (NM_000449.4, NM_001379412.1, NM_001379413.1 and 7 more transcripts); short protein forms R35*.
Identifiers: ClinVar variation 2628868 (VCV002628868.4), dbSNP rs1363575527, ClinGen allele CA341946847.
Genomic context (GRCh38, chr1:151,346,218, plus strand): 5'-CTATACTCAGGTCTTGGACAGGACTTGGAGATGTGATGAGTACTTACGAAATGGTACCTC[G>A]GAGCCTCTGAAGAAGGGTGGTAGGTTCCCCAGCCTCAGCACCACCTGGGGGGGCCCTTCC-3'